The following is an entry in ClinVar:

NM_004366.6(CLCN2):c.1560C>T (p.Ile520=)

Gene: CLCN2 (chloride voltage-gated channel 2; minus strand). Cytogenetic location: 3q27.1.
Variant type: single nucleotide variant.
Coding change: c.1560C>T on transcript NM_004366.6 (MANE Select); coding-DNA position 1560, C replaced by T.
Protein change: p.Ile520=; no amino-acid change (isoleucine 520 retained).
Molecular consequence: synonymous variant.
Genome position (GRCh38, 1-based): chr3:184,354,262, G>A on the plus strand (C>T on the coding strand, the complement: CLCN2 is on the minus strand). VCF-style: chr3-184354262-G-A. GRCh37 (hg19) VCF-style: chr3-184072050-G-A.
Other names: p.Ile520=; c.1509C>T, p.Ile503= (NM_001171087.3); c.1428C>T, p.Ile476= (NM_001171088.3); c.1560C>T, p.Ile520= (NM_001171089.3).
Identifiers: ClinVar variation 2850649 (VCV002850649.4), dbSNP rs761002102, ClinGen allele CA2734043.

ClinVar aggregate classification (germline): Uncertain significance. Review status: criteria provided, multiple submitters, no conflicts (2 of 4 stars). 2 submissions from 2 submitters: Uncertain significance (2). Last evaluated 2025-06-27.

Allele frequency attached by ClinVar (database versions not stated): gnomAD 0.00009; TOPMed 0.00020.

Submissions (2):

Labcorp Genetics (formerly Invitae), Labcorp
Classification: Uncertain significance. Last evaluated: 2025-06-27. Review status: criteria provided, single submitter. Criteria: Invitae Variant Classification Sherloc (09022015). Collection method: clinical testing. Allele origin: germline.
Comment: This sequence change affects codon 520 of the CLCN2 mRNA. It is a 'silent' change, meaning that it does not change the encoded amino acid sequence of the CLCN2 protein. This variant is present in population databases (rs761002102, gnomAD 0.01%). This variant has not been reported in the literature in individuals affected with CLCN2-related conditions. ClinVar contains an entry for this variant (Variation ID: 2850649). Algorithms developed to predict the effect of sequence changes on RNA splicing suggest that this variant may create or strengthen a splice site. In summary, the available evidence is currently insufficient to determine the role of this variant in disease. Therefore, it has been classified as a Variant of Uncertain Significance.

Mayo Clinic Laboratories, Mayo Clinic
Classification: Uncertain significance. Last evaluated: 2024-11-19. Review status: criteria provided, single submitter. Criteria: ACMG Guidelines, 2015. Collection method: clinical testing. Allele origin: germline. Observed: 1 variant allele.